The following is an entry in ClinVar:

NM_001184.4(ATR):c.3971_3982del (p.Asp1324_Thr1327del)

Gene: ATR (ATR checkpoint kinase; minus strand). Cytogenetic location: 3q23.
Variant type: Deletion.
Coding change: c.3971_3982del on transcript NM_001184.4 (MANE Select); coding-DNA positions 3971 to 3982, 12 bases deleted (ACAGTGAAACAG).
Protein change: p.Asp1324_Thr1327del.
Molecular consequence: inframe deletion.
Genome position (GRCh38, 1-based): chr3:142,524,163-142,524,174, CTGTTTCACTGT deleted on the plus strand (ACAGTGAAACAG on the coding strand, the reverse complement: ATR is on the minus strand); deleting any 12 consecutive bases within chr3:142,524,163-142,524,179 gives the same sequence; the c. name uses the placement nearest the transcript's 3' end. VCF-style (leftmost placement, unchanged base first): chr3-142524162-ACTGTTTCACTGT-A. GRCh37 (hg19) VCF-style: chr3-142243004-ACTGTTTCACTGT-A.
Other names: c.3779_3790del, p.Asp1260_Thr1263del (NM_001354579.2).
Identifiers: ClinVar variation 4857530 (VCV004857530.1).

ClinVar aggregate classification (germline): Likely pathogenic (1 of 4 stars; one submission).

Conditions:
Familial cutaneous telangiectasia and oropharyngeal predisposition cancer syndrome. Identifiers: Orphanet 313846, MedGen C3281203, MONDO:0013806, OMIM 614564.

Submission:

Department of Human Genetics, Hannover Medical School
Classification: Likely pathogenic for Familial cutaneous telangiectasia and oropharyngeal predisposition cancer syndrome. Last evaluated: 2026-07-08. Review status: criteria provided, single submitter. Criteria: ACMG Guidelines, 2015. Collection method: clinical testing. Allele origin: germline. Affected: yes.
Comment: ACMG/ClinGen SVC: PS2, PM2_Supporting, PM4